The following is an entry in ClinVar:

ClinVar aggregate classification (germline): Likely benign (1 of 4 stars; one submission).

Conditions:
Intellectual developmental disorder with seizures and language delay (IDDSELD). Identifiers: MedGen C5436574, MONDO:0033559, OMIM 619000.

Submission:

Centre for Medical Genetics,  Mumbai
Classification: Likely benign for Intellectual developmental disorder with seizures and language delay. Last evaluated: 2026-04-04. Review status: criteria provided, single submitter. Criteria: ACMG Guidelines, 2015. Collection method: provider interpretation. Allele origin: germline. Inheritance: Autosomal dominant inheritance. Affected: no. Observed: 1 variant allele, 1 heterozygote.
Comment: The variant satisfies PM2 criteria; Extremely low frequency in gnomAD population databases. The variant satisfies PM4 criteria; Protein length changes resulting from in-frame deletions/insertions in a non-repeat region or a stop-loss variant. However, the variant satisfies BS2 criteria.

Literature cited by the submitters: PubMed 29322246.

NM_001353345.2(SETD1B):c.5296AGC[1] (p.Ser1767del)

Gene: SETD1B (SET domain containing 1B, histone lysine methyltransferase; plus strand). Cytogenetic location: 12q24.31.
Variant type: Microsatellite.
Coding change: c.5296AGC[1] on transcript NM_001353345.2 (MANE Select); one copy of the 3-base unit AGC starting at c.5296; the reference has two copies in a row; one copy, 3 bases deleted; also written c.5299_5301del.
Protein change: p.Ser1767del; deletes serine 1767.
Genome position (GRCh38, 1-based): chr12:121,825,328-121,825,330, AGC deleted; deleting any 3 consecutive bases within chr12:121,825,324-121,825,330 gives the same sequence; the position shown is the placement nearest the transcript's 3' end. VCF-style (leftmost placement, unchanged base first): chr12-121825323-ACAG-A. GRCh37 (hg19) VCF-style: chr12-122263229-ACAG-A.
Other names: c.5299_5301del (NM_001353345.2); short protein forms S1767del.
Identifiers: ClinVar variation 4851263 (VCV004851263.1).